The following is an entry in ClinVar:

ClinVar aggregate classification (germline): Uncertain significance (1 of 4 stars; one submission).

Submission:

GeneDx
Classification: Uncertain significance. Last evaluated: 2025-04-13. Review status: criteria provided, single submitter. Criteria: GeneDx Variant Classification Process June 2021. Collection method: clinical testing. Allele origin: germline. Affected: yes.
Comment: Not observed at significant frequency in large population cohorts (gnomAD); In silico analysis supports that this missense variant has a deleterious effect on protein structure/function; Has not been previously published as pathogenic or benign to our knowledge

NM_032188.3(KAT8):c.437A>G (p.His146Arg)

Gene: KAT8 (lysine acetyltransferase 8; plus strand). Cytogenetic location: 16p11.2.
Variant type: single nucleotide variant.
Coding change: c.437A>G on transcript NM_032188.3 (MANE Select); coding-DNA position 437, A replaced by G.
Protein change: p.His146Arg; replaces histidine 146 with arginine.
Molecular consequence: missense variant.
Genome position (GRCh38, 1-based): chr16:31,120,489, A>G. VCF-style: chr16-31120489-A-G. GRCh37 (hg19) VCF-style: chr16-31131810-A-G.
Other names: c.437A>G, p.His146Arg (NM_182958.4); short protein forms H146R.
Identifiers: ClinVar variation 4282123 (VCV004282123.1).